The following is an entry in ClinVar:

ClinVar aggregate classification (germline): Likely benign. Review status: criteria provided, multiple submitters, no conflicts (2 of 4 stars). 2 submissions from 2 submitters: Likely benign (2). Last evaluated 2026-08-29.

Conditions:
Familial hypercholesterolemia. Also called: Familial hypercholesterolaemia; Familial hypercholesterolemias. Identifiers: MedGen C0020445, MONDO:0005439.
Cardiovascular phenotype. Identifiers: MedGen CN230736.

Submissions (2):

Ambry Genetics
Classification: Likely benign for Cardiovascular phenotype. Last evaluated: 2026-08-29. Review status: criteria provided, single submitter. Criteria: Ambry Variant Classification Scheme 2023. Collection method: clinical testing. Allele origin: germline.

GENinCode PLC
Classification: Likely benign for Familial hypercholesterolemia. Last evaluated: 2026-01-28. Review status: criteria provided, single submitter. Criteria: ACMG Guidelines, 2015. Collection method: clinical testing. Allele origin: germline.
Comment: This is a synonymous (silent) variant that is not predicted to impact splicing and occurs at a nucleotide which is not highly conserved. This variant has been classified as Likely Benign (BP4, BP7).

NM_000384.3(APOB):c.11073T>C (p.Asp3691=)

Gene: APOB (apolipoprotein B; minus strand). Cytogenetic location: 2p24.1.
Variant type: single nucleotide variant.
Coding change: c.11073T>C on transcript NM_000384.3 (MANE Select); coding-DNA position 11073, T replaced by C.
Protein change: p.Asp3691=; no amino-acid change (aspartic acid 3691 retained).
Molecular consequence: synonymous variant.
Genome position (GRCh38, 1-based): chr2:21,005,795, A>G on the plus strand (T>C on the coding strand, the complement: APOB is on the minus strand). VCF-style: chr2-21005795-A-G. GRCh37 (hg19) VCF-style: chr2-21228667-A-G.
Identifiers: ClinVar variation 4888245 (VCV004888245.2).
Genomic context (GRCh38, chr2:21,005,795, plus strand): 5'-GGTGTACACAAAGGCAGTTGAAACACGAAGATGCTGTCTCCTACCAATGCTGGTGGTTAC[A>G]TCCAGCTTTAGGAAATCCCATAAGCTCTTGTCATAGACTGGTAGGATGATATTTTTGAGG-3'
Protein context (NP_000375.3, residues 3681-3701): DKSLWDFLKL[Asp3691=]VTTSIGRRQH